The following is an entry in ClinVar:

ClinVar aggregate classification (germline): Pathogenic (1 of 4 stars; one submission).

Conditions:
Joubert syndrome. Also called: CEREBELLOPARENCHYMAL DISORDER IV; JOUBERT-BOLTSHAUSER SYNDROME; Familial aplasia of the vermis. Identifiers: Orphanet 475, MedGen C5979921, MONDO:0018772.
Meckel-Gruber syndrome. Also called: DYSENCEPHALIA SPLANCHNOCYSTICA; GRUBER SYNDROME; Dysencephalia splachnocystica. Identifiers: Orphanet 564, MedGen C0265215, MONDO:0018921.

Submission:

Labcorp Genetics (formerly Invitae), Labcorp
Classification: Pathogenic for Joubert syndrome; Meckel-Gruber syndrome. Last evaluated: 2022-08-05. Review status: criteria provided, single submitter. Criteria: Invitae Variant Classification Sherloc (09022015). Collection method: clinical testing. Allele origin: germline.
Comment: For these reasons, this variant has been classified as Pathogenic. This variant has not been reported in the literature in individuals affected with RPGRIP1L-related conditions. This variant is not present in population databases (gnomAD no frequency). This sequence change creates a premature translational stop signal (p.Asn126Metfs*8) in the RPGRIP1L gene. It is expected to result in an absent or disrupted protein product. Loss-of-function variants in RPGRIP1L are known to be pathogenic (PMID: 17558409).

Literature cited by the submitters: PubMed 17558409.

NM_015272.5(RPGRIP1L):c.377del (p.Asn126fs)

Gene: RPGRIP1L (RPGRIP1 like; minus strand). Cytogenetic location: 16q12.2.
Variant type: Deletion.
Coding change: c.377del on transcript NM_015272.5 (MANE Select); coding-DNA position 377, one base deleted (A; older notation c.377delA).
Protein change: p.Asn126fs; shifts the reading frame from asparagine 126.
Molecular consequence: frameshift variant.
Genome position (GRCh38, 1-based): chr16:53,692,218, T deleted on the plus strand (A on the coding strand, the reverse complement: RPGRIP1L is on the minus strand); the first of 4 consecutive T bases (chr16:53,692,218-53,692,221); deleting any one gives the same sequence. VCF-style (leftmost placement, unchanged base first): chr16-53692217-AT-A. GRCh37 (hg19) VCF-style: chr16-53726129-AT-A.
Other names: c.377del, p.Asn126fs (NM_001127897.4, NM_001308334.3, NM_001330538.2); short protein forms N126fs.
Identifiers: ClinVar variation 2021802 (VCV002021802.4), dbSNP rs2544706912, ClinGen allele CA2580091605.
Genomic context (GRCh38, chr16:53,692,217, plus strand): 5'-CCTGTAACCCTGGGTTTGAAGTTGCTGTTTGGCTGAAATCAGTCTGTTTTTGAGGGTTTC[AT>A]TTTGTTTTTCAAGCTCATGAACTTTCTCTTGCAGCTGCTCAATCATTTCTTCCATTTCCA-3'